The following is an entry in ClinVar:

NM_017489.3(TERF1):c.-1C>T

Gene: TERF1 (telomeric repeat binding factor 1; plus strand). Cytogenetic location: 8q21.11.
Variant type: single nucleotide variant.
Coding change: c.-1C>T on transcript NM_017489.3 (MANE Select); 1 bases upstream of the start codon, C replaced by T.
Molecular consequence: 5 prime UTR variant. On other transcripts: non-coding transcript variant (4).
Genome position (GRCh38, 1-based): chr8:73,008,886, C>T. VCF-style: chr8-73008886-C-T. GRCh37 (hg19) VCF-style: chr8-73921121-C-T.
Other names: c.-1C>T (NM_001410928.1, NM_001413364.1, NM_001413369.1 and 6 more transcripts); c.-389C>T (NM_001413365.1, NM_001413366.1, NM_001413367.1 and 1 more transcripts).
Identifiers: ClinVar variation 4982431 (VCV004982431.1).

ClinVar aggregate classification (germline): Likely benign (1 of 4 stars; one submission).

Conditions:
TERF1-related disorder. Also called: TERF1-related condition.

gnomAD v4.1: 1,049 of 1,602,660 alleles (0.065%); highest among the groups gnomAD compares: South Asian, 0.11%; 2 homozygotes.

Submission:

PreventionGenetics, part of Exact Sciences
Classification: Likely benign for TERF1-related condition. Last evaluated: 2026-03-06. Review status: criteria provided, single submitter. Criteria: ACMG Guidelines, 2015. Collection method: clinical testing. Allele origin: germline.
Comment: This variant is classified as likely benign based on ACMG/AMP sequence variant interpretation guidelines (Richards et al. 2015 PMID: 25741868, with internal and published modifications).